The following is an entry in ClinVar:

ClinVar aggregate classification (germline): Uncertain significance (1 of 4 stars; one submission).

gnomAD v4.1: 2 of 1,584,994 alleles (0.00013%); highest among the groups gnomAD compares: Non-Finnish European, 0.00017%; no homozygotes.

Submission:

GeneDx
Classification: Uncertain significance. Last evaluated: 2023-06-28. Review status: criteria provided, single submitter. Criteria: GeneDx Variant Classification Process June 2021. Collection method: clinical testing. Allele origin: germline. Affected: yes.
Comment: Not observed at significant frequency in large population cohorts (gnomAD); In silico analysis supports that this missense variant has a deleterious effect on protein structure/function; Has not been previously published as pathogenic or benign to our knowledge

NM_001393504.1(MAST3):c.2098C>T (p.Arg700Cys)

Gene: MAST3 (microtubule associated serine/threonine kinase 3; plus strand). Cytogenetic location: 19p13.11.
Variant type: single nucleotide variant.
Coding change: c.2098C>T on transcript NM_001393504.1 (MANE Select); coding-DNA position 2098, C replaced by T.
Protein change: p.Arg700Cys; replaces arginine 700 with cysteine.
Molecular consequence: missense variant.
Genome position (GRCh38, 1-based): chr19:18,139,017, C>T. VCF-style: chr19-18139017-C-T. GRCh37 (hg19) VCF-style: chr19-18249827-C-T.
Other names: c.2122C>T, p.Arg708Cys (NM_001393501.1); c.2101C>T, p.Arg701Cys (NM_001393502.1); c.2098C>T, p.Arg700Cys (NM_001393503.1); c.2095C>T, p.Arg699Cys (NM_001393505.1); c.2050C>T, p.Arg684Cys (NM_001393506.1, NM_001393513.1); c.2077C>T, p.Arg693Cys (NM_001393507.1); c.2032C>T, p.Arg678Cys (NM_001393508.1, NM_001393516.1); c.2029C>T, p.Arg677Cys (NM_001393509.1, NM_001393510.1, NM_001393512.1 and 2 more transcripts); and 4 more; short protein forms R662C, R670C, R671C, R676C, R677C, R678C, R684C, R693C.
Identifiers: ClinVar variation 3360537 (VCV003360537.1).